The following is an entry in ClinVar:

ClinVar aggregate classification (germline): Uncertain significance (1 of 4 stars; one submission).

Conditions:
BAP1-related tumor predisposition syndrome (TPDS1). Also called: TUMOR PREDISPOSITION SYNDROME 1; COMMON Syndrome; Tumor susceptibility linked to germline BAP1 mutations; BAP1 tumor predisposition syndrome. Identifiers: Orphanet 289539, MedGen C3280492, MONDO:0013692, OMIM 614327.

Allele frequency attached by ClinVar (database versions not stated): TOPMed 0.00001.
gnomAD v4.1: 1 of 1,614,076 alleles (0.000062%); highest among the groups gnomAD compares: East Asian, 0.0022%; no homozygotes.

Submission:

Labcorp Genetics (formerly Invitae), Labcorp
Classification: Uncertain significance for BAP1-related tumor predisposition syndrome. Last evaluated: 2025-07-13. Review status: criteria provided, single submitter. Criteria: Invitae Variant Classification Sherloc (09022015). Collection method: clinical testing. Allele origin: germline.
Comment: This sequence change replaces glutamic acid, which is acidic and polar, with glycine, which is neutral and non-polar, at codon 405 of the BAP1 protein (p.Glu405Gly). This variant is not present in population databases (gnomAD no frequency). This variant has not been reported in the literature in individuals affected with BAP1-related conditions. ClinVar contains an entry for this variant (Variation ID: 1046970). Invitae Evidence Modeling of protein sequence and biophysical properties (such as structural, functional, and spatial information, amino acid conservation, physicochemical variation, residue mobility, and thermodynamic stability) indicates that this missense variant is not expected to disrupt BAP1 protein function with a negative predictive value of 80%. In summary, the available evidence is currently insufficient to determine the role of this variant in disease. Therefore, it has been classified as a Variant of Uncertain Significance.

NM_004656.4(BAP1):c.1214A>G (p.Glu405Gly)

Gene: BAP1 (BRCA1 associated deubiquitinase 1; minus strand). Cytogenetic location: 3p21.1.
Variant type: single nucleotide variant.
Coding change: c.1214A>G on transcript NM_004656.4 (MANE Select); coding-DNA position 1214, A replaced by G.
Protein change: p.Glu405Gly; replaces glutamic acid 405 with glycine.
Molecular consequence: missense variant.
Genome position (GRCh38, 1-based): chr3:52,404,489, T>C on the plus strand (A>G on the coding strand, the complement: BAP1 is on the minus strand). VCF-style: chr3-52404489-T-C. GRCh37 (hg19) VCF-style: chr3-52438505-T-C.
Other names: short protein forms E405G.
Identifiers: ClinVar variation 1046970 (VCV001046970.5), dbSNP rs1240520821, ClinGen allele CA353102917.